The following is an entry in ClinVar:

NM_004006.3(DMD):c.208A>G (p.Arg70Gly)

Gene: DMD (dystrophin; minus strand). Cytogenetic location: Xp21.1.
Variant type: single nucleotide variant.
Coding change: c.208A>G on transcript NM_004006.3 (MANE Select); coding-DNA position 208, A replaced by G.
Protein change: p.Arg70Gly; replaces arginine 70 with glycine.
Molecular consequence: missense variant. On other transcripts: 5 prime UTR variant (1).
Genome position (GRCh38, 1-based): chrX:32,844,839, T>C on the plus strand (A>G on the coding strand, the complement: DMD is on the minus strand). VCF-style: chrX-32844839-T-C. GRCh37 (hg19) VCF-style: chrX-32862956-T-C.
Other names: c.184A>G, p.Arg62Gly (NM_000109.4); c.196A>G, p.Arg66Gly (NM_004009.3); c.-162A>G (NM_004010.3); short protein forms R66G, R70G, R62G.
Identifiers: ClinVar variation 3634873 (VCV003634873.2).

ClinVar aggregate classification (germline): Uncertain significance (1 of 4 stars; one submission).

Conditions:
Duchenne muscular dystrophy (DMD). Also called: MUSCULAR DYSTROPHY, PSEUDOHYPERTROPHIC PROGRESSIVE, DUCHENNE TYPE; Duchenne Muscular Dystrophy (DMD). Identifiers: Orphanet 98896, MedGen C0013264, MONDO:0010679, OMIM 310200.

gnomAD v4.1: 1 of 1,209,811 alleles (0.000083%); no homozygotes.

Submission:

Labcorp Genetics (formerly Invitae), Labcorp
Classification: Uncertain significance for Duchenne muscular dystrophy. Last evaluated: 2024-08-14. Review status: criteria provided, single submitter. Criteria: Invitae Variant Classification Sherloc (09022015). Collection method: clinical testing. Allele origin: germline.
Comment: This sequence change replaces arginine, which is basic and polar, with glycine, which is neutral and non-polar, at codon 70 of the DMD protein (p.Arg70Gly). This variant is not present in population databases (gnomAD no frequency). This variant has not been reported in the literature in individuals affected with DMD-related conditions. Invitae Evidence Modeling of protein sequence and biophysical properties (such as structural, functional, and spatial information, amino acid conservation, physicochemical variation, residue mobility, and thermodynamic stability) indicates that this missense variant is not expected to disrupt DMD protein function with a negative predictive value of 95%. In summary, the available evidence is currently insufficient to determine the role of this variant in disease. Therefore, it has been classified as a Variant of Uncertain Significance.